The following is an entry in ClinVar:

ClinVar aggregate classification (germline): Uncertain significance. Review status: criteria provided, multiple submitters, no conflicts (2 of 4 stars). 2 submissions from 2 submitters: Uncertain significance (2). Last evaluated 2022-07-15.

Conditions:
Charcot-Marie-Tooth disease axonal type 2O. Also called: CHARCOT-MARIE-TOOTH NEUROPATHY, AXONAL, TYPE 2O; CHARCOT-MARIE-TOOTH DISEASE, AXONAL, AUTOSOMAL DOMINANT, TYPE 2O; Charcot-Marie-Tooth disease, axonal, type 20; Charcot-Marie-Tooth Neuropathy Type 2O. Identifiers: Orphanet 284232, MedGen C3280220, MONDO:0013644, OMIM 614228.

Submissions (2):

Labcorp Genetics (formerly Invitae), Labcorp
Classification: Uncertain significance for Charcot-Marie-Tooth disease axonal type 2O. Last evaluated: 2022-07-15. Review status: criteria provided, single submitter. Criteria: Invitae Variant Classification Sherloc (09022015). Collection method: clinical testing. Allele origin: germline.
Comment: This sequence change affects a donor splice site in intron 69 of the DYNC1H1 gene. It is expected to disrupt RNA splicing. Variants that disrupt the donor or acceptor splice site typically lead to a loss of protein function (PMID: 16199547), however the current clinical and genetic evidence is not sufficient to establish whether loss-of-function variants in DYNC1H1 cause disease. This variant is not present in population databases (gnomAD no frequency). This variant has not been reported in the literature in individuals affected with DYNC1H1-related conditions. ClinVar contains an entry for this variant (Variation ID: 1304426). Experimental studies and prediction algorithms are not available or were not evaluated, and the effect of this variant on mRNA splicing is currently unknown. In summary, the available evidence is currently insufficient to determine the role of this variant in disease. Therefore, it has been classified as a Variant of Uncertain Significance.

GeneDx
Classification: Uncertain significance. Last evaluated: 2019-09-19. Review status: criteria provided, single submitter. Criteria: GeneDx Variant Classification Process June 2021. Collection method: clinical testing. Allele origin: germline. Affected: yes.
Comment: Not observed in large population cohorts (Lek et al., 2016); Canonical splice site variant predicted to result in an in-frame deletion of exon 69; Has not been previously published as pathogenic or benign to our knowledge

Literature cited by the submitters: PubMed 16199547 (cited by Labcorp Genetics (formerly Invitae), Labcorp).

NM_001376.5(DYNC1H1):c.12513+2T>C

Gene: DYNC1H1 (dynein cytoplasmic 1 heavy chain 1; plus strand). Cytogenetic location: 14q32.31.
Variant type: single nucleotide variant.
Coding change: c.12513+2T>C on transcript NM_001376.5 (MANE Select); the canonical splice donor site of the intron after coding-DNA position 12513, T replaced by C.
Molecular consequence: splice donor variant.
Genome position (GRCh38, 1-based): chr14:102,042,750, T>C. VCF-style: chr14-102042750-T-C. GRCh37 (hg19) VCF-style: chr14-102509087-T-C.
Identifiers: ClinVar variation 1304426 (VCV001304426.6), dbSNP rs2152596793, ClinGen allele CA391041791.